The following is an entry in ClinVar:

ClinVar aggregate classification (germline): Uncertain significance. Review status: criteria provided, multiple submitters, no conflicts (2 of 4 stars). 2 submissions from 2 submitters: Uncertain significance (2). Last evaluated 2025-08-22.

Conditions:
Inborn genetic diseases. Identifiers: MedGen C0950123, MeSH D030342.

Allele frequency attached by ClinVar (database versions not stated): TOPMed 0.00002; ExAC 0.00003; gnomAD 0.00005; 1000 Genomes Project 30x 0.00031.
gnomAD v4.1: 23 of 1,613,850 alleles (0.0014%); highest among the groups gnomAD compares: Middle Eastern, 0.016%; no homozygotes.

Submissions (2):

Ambry Genetics
Classification: Uncertain significance for Inborn genetic diseases. Last evaluated: 2025-08-22. Review status: criteria provided, single submitter. Criteria: Ambry Variant Classification Scheme 2023. Collection method: clinical testing. Allele origin: germline.

GeneDx
Classification: Uncertain significance. Last evaluated: 2025-01-24. Review status: criteria provided, single submitter. Criteria: GeneDx Variant Classification Process June 2021. Collection method: clinical testing. Allele origin: germline. Affected: yes.
Comment: In silico analysis supports that this missense variant has a deleterious effect on protein structure/function; In silico analysis is inconclusive as to whether the variant alters gene splicing. In the absence of RNA/functional studies, the actual effect of this sequence change is unknown.; Has not been previously published as pathogenic or benign to our knowledge

NM_004667.6(HERC2):c.9448G>A (p.Gly3150Ser)

Gene: HERC2 (HECT and RLD domain containing E3 ubiquitin protein ligase 2; minus strand). Cytogenetic location: 15q13.1.
Variant type: single nucleotide variant.
Coding change: c.9448G>A on transcript NM_004667.6 (MANE Select); coding-DNA position 9448, G replaced by A.
Protein change: p.Gly3150Ser; replaces glycine 3150 with serine.
Molecular consequence: missense variant.
Genome position (GRCh38, 1-based): chr15:28,176,753, C>T on the plus strand (G>A on the coding strand, the complement: HERC2 is on the minus strand). VCF-style: chr15-28176753-C-T. GRCh37 (hg19) VCF-style: chr15-28421899-C-T.
Other names: c.9448G>A (NM_004667.5); short protein forms G3150S.
Identifiers: ClinVar variation 2364194 (VCV002364194.4), dbSNP rs767893691, ClinGen allele CA7441149.